The following is an entry in ClinVar:

ClinVar aggregate classification (germline): Uncertain significance. Review status: criteria provided, multiple submitters, no conflicts (2 of 4 stars). 3 submissions from 3 submitters: Uncertain significance (3). Last evaluated 2025-01-18.

Allele frequency attached by ClinVar (database versions not stated): TOPMed below 0.00001; ExAC 0.00001; gnomAD exomes 0.00001.
gnomAD v4.1: 23 of 1,611,562 alleles (0.0014%); highest among the groups gnomAD compares: Middle Eastern, 0.066%; no homozygotes.

Submissions (3):

Labcorp Genetics (formerly Invitae), Labcorp
Classification: Uncertain significance. Last evaluated: 2025-01-18. Review status: criteria provided, single submitter. Criteria: Invitae Variant Classification Sherloc (09022015). Collection method: clinical testing. Allele origin: germline.
Comment: This sequence change replaces leucine, which is neutral and non-polar, with proline, which is neutral and non-polar, at codon 613 of the SRP72 protein (p.Leu613Pro). This variant is present in population databases (rs781585137, gnomAD 0.003%). This variant has not been reported in the literature in individuals affected with SRP72-related conditions. ClinVar contains an entry for this variant (Variation ID: 1313324). An algorithm developed to predict the effect of missense changes on protein structure and function (PolyPhen-2) suggests that this variant is likely to be disruptive. In summary, the available evidence is currently insufficient to determine the role of this variant in disease. Therefore, it has been classified as a Variant of Uncertain Significance.

GeneDx
Classification: Uncertain significance. Last evaluated: 2022-03-17. Review status: criteria provided, single submitter. Criteria: GeneDx Variant Classification Process June 2021. Collection method: clinical testing. Allele origin: germline. Affected: yes.
Comment: In silico analysis supports that this missense variant has a deleterious effect on protein structure/function; Has not been previously published as pathogenic or benign to our knowledge; This variant is associated with the following publications: (PMID: 21073748)

Breakthrough Genomics
Classification: Uncertain significance. Review status: criteria provided, single submitter. Criteria: ACMG Guidelines, 2015. Collection method: not provided. Allele origin: germline. Inheritance: Autosomal dominant inheritance. Affected: yes.

NM_006947.4(SRP72):c.1838T>C (p.Leu613Pro)

Gene: SRP72 (signal recognition particle 72; plus strand). Cytogenetic location: 4q12.
Variant type: single nucleotide variant.
Coding change: c.1838T>C on transcript NM_006947.4 (MANE Select); coding-DNA position 1838, T replaced by C.
Protein change: p.Leu613Pro; replaces leucine 613 with proline.
Molecular consequence: missense variant. On other transcripts: non-coding transcript variant (1).
Genome position (GRCh38, 1-based): chr4:56,500,695, T>C. VCF-style: chr4-56500695-T-C. GRCh37 (hg19) VCF-style: chr4-57366861-T-C.
Other names: c.1655T>C, p.Leu552Pro (NM_001267722.2); short protein forms L552P, L613P.
Identifiers: ClinVar variation 1313324 (VCV001313324.8), dbSNP rs781585137, ClinGen allele CA2931484.